The following is an entry in ClinVar:

NM_003072.5(SMARCA4):c.3512_3513del (p.Val1171fs)

Gene: SMARCA4 (SWI/SNF related BAF chromatin remodeling complex subunit ATPase 4; plus strand). Cytogenetic location: 19p13.2.
Variant type: Microsatellite.
Coding change: c.3512_3513del on transcript NM_003072.5 (MANE Select); coding-DNA positions 3512 to 3513, 2 bases deleted (TG; older notation c.3512_3513delTG).
Protein change: p.Val1171fs; shifts the reading frame from valine 1171.
Molecular consequence: frameshift variant. On other transcripts: non-coding transcript variant (1).
Genome position (GRCh38, 1-based): chr19:11,030,859-11,030,860, TG deleted; deleting any 2 consecutive bases within chr19:11,030,857-11,030,860 gives the same sequence; the c. name uses the placement nearest the transcript's 3' end. VCF-style (leftmost placement, unchanged base first): chr19-11030856-CTG-C. GRCh37 (hg19) VCF-style: chr19-11141532-CTG-C.
Other names: c.3512_3513del, p.Val1171fs (NM_001128844.3, NM_001128845.2, NM_001128846.2 and 5 more transcripts); c.3510_3511TG[1], p.Val1171Aspfs (NM_001411150.1); c.3512_3513delTG (NM_001128849.1); short protein forms V1171fs.
Identifiers: ClinVar variation 2096253 (VCV002096253.5), dbSNP rs2515208207, ClinGen allele CA2580613044.
Genomic context (GRCh38, chr19:11,030,856, plus strand): 5'-TCATCTTCCTGCTCAGCACCCGGGCTGGGGGGCTCGGCCTGAACCTCCAGTCGGCAGACA[CTG>C]TGATCATTTTTGACAGCGACTGGAATCCTCACCAGGTAAAAGCGGGCCGGGCCCCAGGTC-3'

ClinVar aggregate classification (germline): Pathogenic. Review status: criteria provided, multiple submitters, no conflicts (2 of 4 stars). 2 submissions from 2 submitters: Pathogenic (2). Last evaluated 2026-03-02.

Conditions:
Rhabdoid tumor predisposition syndrome 2 (RTPS2). Identifiers: Orphanet 231108, Orphanet 69077, MedGen C2750074, MONDO:0013224, OMIM 613325.
Hereditary cancer-predisposing syndrome. Also called: Neoplastic Syndromes, Hereditary; Tumor predisposition; Hereditary Cancer Syndrome; Hereditary neoplastic syndrome. Identifiers: Orphanet 140162, MedGen C0027672, MeSH D009386, MONDO:0015356.

Submissions (2):

Ambry Genetics
Classification: Pathogenic for Hereditary cancer-predisposing syndrome. Last evaluated: 2026-03-02. Review status: criteria provided, single submitter. Criteria: Ambry Variant Classification Scheme 2023. Collection method: clinical testing. Allele origin: germline.
Comment: The c.3512_3513delTG pathogenic mutation, located in coding exon 24 of the SMARCA4 gene, results from a deletion of two nucleotides at nucleotide positions 3512 to 3513, causing a translational frameshift with a predicted alternate stop codon (p.V1171Dfs*4). This variant is considered to be rare based on population cohorts in the Genome Aggregation Database (gnomAD). This alteration is expected to result in loss of function by premature protein truncation or nonsense-mediated mRNA decay. Loss-of-function variants in SMARCA4 are known to cause rhabdoid tumor predisposition syndrome including small cell carcinoma of the ovary-hypercalcemic type (SCCOHT); however, such associations with neurodevelopmental disorders are exceedingly rare (Kosho T et al. Am J Med Genet C Semin Med Genet. 2014 Sep;166C(3):262-75; Jelinic P et al. Nat Genet. 2014 May;46(5):424-6). Based on the supporting evidence, this variant is pathogenic for rhabdoid tumor predisposition syndrome; however, the association of this variant with Coffin-Siris syndrome is unlikely.

Labcorp Genetics (formerly Invitae), Labcorp
Classification: Pathogenic for Rhabdoid tumor predisposition syndrome 2. Last evaluated: 2022-02-10. Review status: criteria provided, single submitter. Criteria: Invitae Variant Classification Sherloc (09022015). Collection method: clinical testing. Allele origin: germline.
Comment: For these reasons, this variant has been classified as Pathogenic. This variant has not been reported in the literature in individuals affected with SMARCA4-related conditions. This variant is not present in population databases (gnomAD no frequency). This sequence change creates a premature translational stop signal (p.Val1171Aspfs*4) in the SMARCA4 gene. It is expected to result in an absent or disrupted protein product. Loss-of-function variants in SMARCA4 are known to be pathogenic (PMID: 24658001, 24658002).

Literature cited by the submitters: PubMed 24658001 (cited by Labcorp Genetics (formerly Invitae), Labcorp); PubMed 24658002 (cited by Labcorp Genetics (formerly Invitae), Labcorp).